The following is an entry in ClinVar:

ClinVar aggregate classification (germline): Pathogenic/Likely pathogenic. Review status: criteria provided, multiple submitters, no conflicts (2 of 4 stars). 4 submissions from 4 submitters: Pathogenic (2); Likely pathogenic (2). Last evaluated 2025-11-14.

Conditions:
Hereditary breast ovarian cancer syndrome. Also called: Hereditary breast and ovarian cancer; Hereditary breast and/or ovarian cancer syndrome; Breast and ovarian cancer; BRCA1- and BRCA2-Associated Hereditary Breast and Ovarian Cancer; Hereditary breast and ovarian cancer syndrome (HBOC); Hereditary breast and ovarian cancer syndrome. Identifiers: Orphanet 145, MedGen C0677776, MeSH D061325, MONDO:0003582. Disease mechanism: loss of function.
Hereditary cancer-predisposing syndrome. Also called: Tumor predisposition; Hereditary Cancer Syndrome; Hereditary neoplastic syndrome; Neoplastic Syndromes, Hereditary. Identifiers: Orphanet 140162, MedGen C0027672, MeSH D009386, MONDO:0015356.
Breast-ovarian cancer, familial, susceptibility to, 1 (BROVCA1). Also called: OVARIAN CANCER, SUSCEPTIBILITY TO; BRCA1 Hereditary Breast and Ovarian Cancer. Identifiers: Orphanet 145, MedGen C2676676, MONDO:0011450, OMIM 604370. Disease mechanism: loss of function.

Submissions (4):

Labcorp Genetics (formerly Invitae), Labcorp
Classification: Pathogenic for Hereditary breast ovarian cancer syndrome. Last evaluated: 2025-11-14. Review status: criteria provided, single submitter. Criteria: Invitae Variant Classification Sherloc (09022015). Collection method: clinical testing. Allele origin: germline.
Comment: This sequence change creates a premature translational stop signal (p.Cys1697Asnfs*4) in the BRCA1 gene. It is expected to result in an absent or disrupted protein product. Loss-of-function variants in BRCA1 are known to be pathogenic (PMID: 20104584). This variant is not present in population databases (gnomAD no frequency). This variant has not been reported in the literature in individuals affected with BRCA1-related conditions. For these reasons, this variant has been classified as Pathogenic.

Ambry Genetics
Classification: Pathogenic for Hereditary cancer-predisposing syndrome. Last evaluated: 2025-05-15. Review status: criteria provided, single submitter. Criteria: Ambry Variant Classification Scheme 2023. Collection method: clinical testing. Allele origin: germline.
Comment: The c.5089_5092delTGTG pathogenic mutation, located in coding exon 16 of the BRCA1 gene, results from a deletion of 4 nucleotides at nucleotide positions 5089 to 5092, causing a translational frameshift with a predicted alternate stop codon (p.C1697Nfs*4). This variant is considered to be rare based on population cohorts in the Genome Aggregation Database (gnomAD). This alteration is expected to result in loss of function by premature protein truncation or nonsense-mediated mRNA decay. As such, this alteration is interpreted as a disease-causing mutation.

Baylor Genetics
Classification: Likely pathogenic for Breast-ovarian cancer, familial, susceptibility to, 1. Last evaluated: 2024-01-11. Review status: criteria provided, single submitter. Criteria: ACMG Guidelines, 2015. Collection method: clinical testing. Allele origin: unknown.

Women's Health and Genetics/Laboratory Corporation of America, LabCorp
Classification: Likely pathogenic for Hereditary breast ovarian cancer syndrome. Last evaluated: 2021-12-27. Review status: criteria provided, single submitter. Criteria: LabCorp Variant Classification Summary - May 2015. Collection method: clinical testing. Allele origin: germline.
Comment: Variant summary: BRCA1 c.5089_5092delTGTG (p.Cys1697AsnfsX4) results in a premature termination codon, predicted to cause a truncation of the encoded protein or absence of the protein due to nonsense mediated decay, which are commonly known mechanisms for disease. Truncations downstream of this position have been classified as pathogenic by our laboratory (example: c.5109T>G|p.Tyr1703X; c.5126delG|p.Gly1709GlufsX5). The variant was absent in 251262 control chromosomes. To our knowledge, this variant has not been reported in any patient and no experimental evidence demonstrating an impact on protein function has been reported. No ClinVar submitters have assessed this variant since 2014. Based on the evidence outlined above, the variant was classified as likely pathogenic.

Literature cited by the submitters: PubMed 20104584 (cited by Labcorp Genetics (formerly Invitae), Labcorp); PubMed 20223018 (cited by Women's Health and Genetics/Laboratory Corporation of America, LabCorp).

NM_007294.4(BRCA1):c.5089_5092del (p.Cys1697fs)

Gene: BRCA1 (BRCA1 DNA repair associated; minus strand). Cytogenetic location: 17q21.31.
Variant type: Microsatellite.
Coding change: c.5089_5092del on transcript NM_007294.4 (MANE Select); coding-DNA positions 5089 to 5092, 4 bases deleted (TGTG; older notation c.5089_5092delTGTG).
Protein change: p.Cys1697fs; shifts the reading frame from cysteine 1697.
Molecular consequence: frameshift variant. On other transcripts: non-coding transcript variant (1).
Genome position (GRCh38, 1-based): chr17:43,063,934-43,063,937, CACA deleted on the plus strand (TGTG on the coding strand, the reverse complement: BRCA1 is on the minus strand); deleting any 4 consecutive bases within chr17:43,063,934-43,063,941 gives the same sequence; the c. name uses the placement nearest the transcript's 3' end. VCF-style (leftmost placement, unchanged base first): chr17-43063933-TCACA-T. GRCh37 (hg19) VCF-style: chr17-41215950-TCACA-T.
Other names: c.5089_5092delTGTG (NM_007294.3); c.4872_4873TG[2], p.Cys1626Asnfs (NM_001407571.1, NM_001407894.1, NM_001407895.1 and 12 more transcripts); c.5151_5152TG[2], p.Cys1719Asnfs (NM_001407581.1, NM_001407582.1); c.5148_5149TG[2], p.Cys1718Asnfs (NM_001407583.1, NM_001407585.1, NM_001407587.1); c.5145_5146TG[2], p.Cys1717Asnfs (NM_001407590.1, NM_001407591.1); c.5085_5086TG[2], p.Cys1697Asnfs (NM_001407593.1, NM_001407594.1, NM_001407596.1 and 8 more transcripts); c.5082_5083TG[2], p.Cys1696Asnfs (NM_001407610.1, NM_001407611.1, NM_001407612.1 and 17 more transcripts); c.5079_5080TG[2], p.Cys1695Asnfs (NM_001407627.1, NM_001407628.1, NM_001407629.1 and 14 more transcripts); and 75 more; short protein forms C1650fs, C1697fs, C1718fs, C593fs.
Identifiers: ClinVar variation 1331488 (VCV001331488.10), dbSNP rs80357710, ClinGen allele CA2580612627.